The following is an entry in ClinVar:

ClinVar aggregate classification (germline): Pathogenic (1 of 4 stars; one submission).

Conditions:
Familial adenomatous polyposis 1 (FAP1). Also called: POLYPOSIS, ADENOMATOUS INTESTINAL; FAMILIAL ADENOMATOUS POLYPOSIS 1, ATTENUATED. Identifiers: MedGen C2713442, MONDO:0021056, OMIM 175100. Disease mechanism: loss of function.

Submission:

Labcorp Genetics (formerly Invitae), Labcorp
Classification: Pathogenic for Familial adenomatous polyposis 1. Last evaluated: 2022-07-27. Review status: criteria provided, single submitter. Criteria: Invitae Variant Classification Sherloc (09022015). Collection method: clinical testing. Allele origin: germline.
Comment: Studies have shown that disruption of this splice site results in skipping of exon 15 (also known as exon 14) and introduces a new termination codon (PMID: 15459959). However the mRNA is not expected to undergo nonsense-mediated decay. This sequence change affects an acceptor splice site in intron 14 of the APC gene. RNA analysis indicates that disruption of this splice site induces altered splicing and likely disrupts the C-terminus of the protein. This variant is not present in population databases (gnomAD no frequency). Disruption of this splice site has been observed in individual(s) with familial adenomatous polyposis (FAP) (PMID: 9298819, 15459959, 21315632). It has also been observed to segregate with disease in related individuals. For these reasons, this variant has been classified as Pathogenic.

Literature cited by the submitters: PubMed 15459959; PubMed 9298819; PubMed 21315632.

NM_000038.6(APC):c.1744-2A>C

Gene: APC (APC regulator of Wnt signaling pathway; plus strand). Cytogenetic location: 5q22.2.
Variant type: single nucleotide variant.
Coding change: c.1744-2A>C on transcript NM_000038.6 (MANE Select); the canonical splice acceptor site of the intron before coding-DNA position 1744, A replaced by C.
Molecular consequence: splice acceptor variant.
Genome position (GRCh38, 1-based): chr5:112,834,949, A>C. VCF-style: chr5-112834949-A-C. GRCh37 (hg19) VCF-style: chr5-112170646-A-C.
Other names: c.895-2A>C (NM_001407470.1, NM_001354906.2); c.592-2A>C (NM_001407472.1, NM_001407471.1); c.1798-2A>C (NM_001407447.1, NM_001407448.1, NM_001407449.1 and 1 more transcripts); c.1744-2A>C (NM_001354895.2, NM_001407450.1, NM_001127510.3); c.1495-2A>C (NM_001407456.1, NM_001407457.1, NM_001407455.1 and 1 more transcripts); c.1441-2A>C (NM_001407460.1, NM_001407458.1, NM_001407459.1 and 1 more transcripts); c.1714-2A>C (NM_001407452.1); c.1357-2A>C (NM_001407469.1, NM_001407467.1); and 11 more.
Identifiers: ClinVar variation 2019875 (VCV002019875.4), dbSNP rs587783035, ClinGen allele CA360622292.
Genomic context (GRCh38, chr5:112,834,949, plus strand): 5'-AGAAGTTAATGAGAGACAAATTCCAACTCTAATTAGATGACCCATATTCTGTTTCTTACT[A>C]GGAATCAACCCTCAAAAGCGTATTGAGTGCCTTATGGAATTTGTCAGCACATTGCACTGA-3'